The following is an entry in ClinVar:

ClinVar aggregate classification (germline): Uncertain significance. Review status: criteria provided, multiple submitters, no conflicts (2 of 4 stars). 2 submissions from 2 submitters: Uncertain significance (2). Last evaluated 2023-08-03.

Allele frequency attached by ClinVar (database versions not stated): gnomAD exomes below 0.00001.
gnomAD v4.1: 1 of 1,613,954 alleles (0.000062%); highest among the groups gnomAD compares: Non-Finnish European, 0.000085%; no homozygotes.

Submissions (2):

Blueprint Genetics
Classification: Uncertain significance. Last evaluated: 2023-08-03. Review status: criteria provided, single submitter. Criteria: ACMG Guidelines, 2015. Collection method: clinical testing. Allele origin: germline.

Labcorp Genetics (formerly Invitae), Labcorp
Classification: Uncertain significance. Last evaluated: 2021-04-28. Review status: criteria provided, single submitter. Criteria: Invitae Variant Classification Sherloc (09022015). Collection method: clinical testing. Allele origin: germline.
Comment: This sequence change replaces isoleucine with phenylalanine at codon 1787 of the ALPK3 protein (p.Ile1787Phe). The isoleucine residue is moderately conserved and there is a small physicochemical difference between isoleucine and phenylalanine. This variant is not present in population databases (ExAC no frequency). This variant has not been reported in the literature in individuals with ALPK3-related conditions. Algorithms developed to predict the effect of missense changes on protein structure and function are either unavailable or do not agree on the potential impact of this missense change (SIFT: "Deleterious"; PolyPhen-2: "Probably Damaging"; Align-GVGD: "Class C0"). In summary, the available evidence is currently insufficient to determine the role of this variant in disease. Therefore, it has been classified as a Variant of Uncertain Significance.

NM_020778.5(ALPK3):c.4753A>T (p.Ile1585Phe)

Gene: ALPK3 (alpha kinase 3; plus strand). Cytogenetic location: 15q25.3.
Variant type: single nucleotide variant.
Coding change: c.4753A>T on transcript NM_020778.5 (MANE Select); coding-DNA position 4753, A replaced by T.
Protein change: p.Ile1585Phe; replaces isoleucine 1585 with phenylalanine.
Molecular consequence: missense variant.
Genome position (GRCh38, 1-based): chr15:84,867,346, A>T. VCF-style: chr15-84867346-A-T. GRCh37 (hg19) VCF-style: chr15-85410577-A-T.
Other names: short protein forms I1585F.
Identifiers: ClinVar variation 1410315 (VCV001410315.9), dbSNP rs2141575665, ClinGen allele CA393365472.